The following is an entry in ClinVar:

NM_181741.4(ORC4):c.118G>A (p.Val40Met)

Gene: ORC4 (origin recognition complex subunit 4; minus strand). Cytogenetic location: 2q23.1.
Variant type: single nucleotide variant.
Coding change: c.118G>A on transcript NM_181741.4 (MANE Select); coding-DNA position 118, G replaced by A.
Protein change: p.Val40Met; replaces valine 40 with methionine.
Molecular consequence: missense variant. On other transcripts: 5 prime UTR variant (2), intron variant (1).
Genome position (GRCh38, 1-based): chr2:147,973,464, C>T on the plus strand (G>A on the coding strand, the complement: ORC4 is on the minus strand). VCF-style: chr2-147973464-C-T. GRCh37 (hg19) VCF-style: chr2-148731033-C-T.
Other names: c.118G>A, p.Val40Met (NM_001190879.3, NM_001374270.1, NM_002552.5 and 1 more transcripts); c.-105G>A (NM_001190882.3); c.-200G>A (NM_001374272.1); c.-27-14598G>A (NM_001190881.3); short protein forms V40M.
Identifiers: ClinVar variation 1469369 (VCV001469369.6), dbSNP rs377026372, ClinGen allele CA1899729.

ClinVar aggregate classification (germline): Uncertain significance. Review status: criteria provided, multiple submitters, no conflicts (2 of 4 stars). 2 submissions from 2 submitters: Uncertain significance (2). Last evaluated 2025-08-27.

Conditions:
Inborn genetic diseases. Identifiers: MedGen C0950123, MeSH D030342.

Allele frequency attached by ClinVar (database versions not stated): gnomAD exomes 0.00002 and 0.00004; TOPMed 0.00002; ExAC 0.00003; gnomAD 0.00003; ESP Exome Variant Server 0.00008.
gnomAD v4.1: 65 of 1,603,296 alleles (0.0041%); highest among the groups gnomAD compares: Non-Finnish European, 0.005%; no homozygotes.

Submissions (2):

Ambry Genetics
Classification: Uncertain significance for Inborn genetic diseases. Last evaluated: 2025-08-27. Review status: criteria provided, single submitter. Criteria: Ambry Variant Classification Scheme 2023. Collection method: clinical testing. Allele origin: germline.

Labcorp Genetics (formerly Invitae), Labcorp
Classification: Uncertain significance. Last evaluated: 2021-08-31. Review status: criteria provided, single submitter. Criteria: Invitae Variant Classification Sherloc (09022015). Collection method: clinical testing. Allele origin: germline.
Comment: This sequence change replaces valine with methionine at codon 40 of the ORC4 protein (p.Val40Met). The valine residue is moderately conserved and there is a small physicochemical difference between valine and methionine. This variant is present in population databases (rs377026372, ExAC 0.006%). This variant has not been reported in the literature in individuals affected with ORC4-related conditions. Algorithms developed to predict the effect of missense changes on protein structure and function (SIFT, PolyPhen-2, Align-GVGD) all suggest that this variant is likely to be tolerated. In summary, the available evidence is currently insufficient to determine the role of this variant in disease. Therefore, it has been classified as a Variant of Uncertain Significance.